The following is an entry in ClinVar:

ClinVar aggregate classification (germline): Likely pathogenic (1 of 4 stars; one submission).

Conditions:
Neurodevelopmental abnormality. Identifiers: MedGen C4022737, HP:0012759.

Submission:

Clinical Genetics Laboratory, Skane University Hospital Lund
Classification: Likely pathogenic for Neurodevelopmental abnormality. Last evaluated: 2024-08-22. Review status: criteria provided, single submitter. Criteria: ACMG Guidelines, 2015. Collection method: clinical testing. Allele origin: de novo. Inheritance: Autosomal dominant inheritance. Affected: yes.
Comment: PS2, PM2

NM_001904.4(CTNNB1):c.2206_2212del (p.Glu736fs)

Gene: CTNNB1 (catenin beta 1; plus strand). Cytogenetic location: 3p22.1.
Variant type: Deletion.
Coding change: c.2206_2212del on transcript NM_001904.4 (MANE Select); coding-DNA positions 2206 to 2212, 7 bases deleted (GAACATG; older notation c.2206_2212delGAACATG).
Protein change: p.Glu736fs; shifts the reading frame from glutamic acid 736.
Molecular consequence: frameshift variant.
Genome position (GRCh38, 1-based): chr3:41,239,202-41,239,208, GAACATG deleted; deleting any 7 consecutive bases within chr3:41,239,199-41,239,208 gives the same sequence; the c. name uses the placement nearest the transcript's 3' end. VCF-style (leftmost placement, unchanged base first): chr3-41239198-GATGGAAC-G. GRCh37 (hg19) VCF-style: chr3-41280689-GATGGAAC-G.
Other names: c.2206_2212del, p.Glu736fs (NM_001098209.2, NM_001098210.2); c.2185_2191del, p.Glu729fs (NM_001330729.2); short protein forms E729fs, E736fs.
Identifiers: ClinVar variation 3767997 (VCV003767997.1).
Genomic context (GRCh38, chr3:41,239,198, plus strand): 5'-TAGCTATCGTTCTTTTCACTCTGGTGGATATGGCCAGGATGCCTTGGGTATGGACCCCAT[GATGGAAC>G]ATGAGATGGGTGGCCACCACCCTGGTGCTGACTATCCAGTTGATGGGCTGCCAGATCTGG-3'